The following is an entry in ClinVar:

NM_000465.4(BARD1):c.101G>C (p.Trp34Ser)

Gene: BARD1 (BRCA1 associated RING domain 1; minus strand). Cytogenetic location: 2q35.
Variant type: single nucleotide variant.
Coding change: c.101G>C on transcript NM_000465.4 (MANE Select); coding-DNA position 101, G replaced by C.
Protein change: p.Trp34Ser; replaces tryptophan 34 with serine.
Molecular consequence: missense variant. On other transcripts: non-coding transcript variant (3).
Genome position (GRCh38, 1-based): chr2:214,809,469, C>G on the plus strand (G>C on the coding strand, the complement: BARD1 is on the minus strand). VCF-style: chr2-214809469-C-G. GRCh37 (hg19) VCF-style: chr2-215674193-C-G.
Other names: c.101G>C, p.Trp34Ser (NM_001282543.2, NM_001282545.2, NM_001282548.2 and 1 more transcripts); short protein forms W34S.
Identifiers: ClinVar variation 231822 (VCV000231822.14), dbSNP rs876659387, ClinGen allele CA10577863.

ClinVar aggregate classification (germline): Uncertain significance. Review status: criteria provided, multiple submitters, no conflicts (2 of 4 stars). 2 submissions from 2 submitters: Uncertain significance (2). Last evaluated 2021-05-17.

Conditions:
Hereditary cancer-predisposing syndrome. Also called: Neoplastic Syndromes, Hereditary; Tumor predisposition; Hereditary Cancer Syndrome; Hereditary neoplastic syndrome. Identifiers: Orphanet 140162, MedGen C0027672, MeSH D009386, MONDO:0015356.
Familial cancer of breast. Also called: BREAST CANCER, FAMILIAL; hereditary breast carcinoma; Hereditary breast cancer. Identifiers: Orphanet 227535, MedGen C0346153, MONDO:0016419, OMIM 114480. Disease mechanism: loss of function.

Submissions (2):

Labcorp Genetics (formerly Invitae), Labcorp
Classification: Uncertain significance for Familial cancer of breast. Last evaluated: 2021-05-17. Review status: criteria provided, single submitter. Criteria: Invitae Variant Classification Sherloc (09022015). Collection method: clinical testing. Allele origin: germline.
Comment: Algorithms developed to predict the effect of missense changes on protein structure and function are either unavailable or do not agree on the potential impact of this missense change (SIFT: "Deleterious"; PolyPhen-2: "Probably Damaging"; Align-GVGD: "Class C0"). In summary, the available evidence is currently insufficient to determine the role of this variant in disease. Therefore, it has been classified as a Variant of Uncertain Significance. This variant has not been reported in the literature in individuals with BARD1-related conditions. ClinVar contains an entry for this variant (Variation ID: 231822). This variant is not present in population databases (ExAC no frequency). This sequence change replaces tryptophan with serine at codon 34 of the BARD1 protein (p.Trp34Ser). The tryptophan residue is highly conserved and there is a large physicochemical difference between tryptophan and serine.

Ambry Genetics
Classification: Uncertain significance for Hereditary cancer-predisposing syndrome. Last evaluated: 2015-05-12. Review status: criteria provided, single submitter. Criteria: Ambry Variant Classification Scheme 2023. Collection method: clinical testing. Allele origin: germline.
Comment: The p.W34S variant (also known as c.101G>C), located in coding exon 1 of the BARD1 gene, results from a G to C substitution at nucleotide position 101. The tryptophan at codon 34 is replaced by serine, an amino acid with highly dissimilar properties. This variant was not reported in population based cohorts in the following databases: Database of Single Nucleotide Polymorphisms (dbSNP), NHLBI Exome Sequencing Project (ESP), and 1000 Genomes Project. In the ESP, this variant was not observed in 6239 samples (12478 alleles) with coverage at this position. To date, this alteration has been detected with an allele frequency of approximately 0.002% (greater than 65000 alleles tested) in our clinical cohort. This amino acid position is highly conserved in available vertebrate species. In addition, this alteration is predicted to be probably damaging and deleterious by PolyPhen and SIFT in silico analyses, respectively. Since supporting evidence is limited at this time, the clinical significance of p.W34S remains unclear.